The following is an entry in ClinVar:

ClinVar aggregate classification (germline): Conflicting classifications of pathogenicity. Review status: criteria provided, conflicting classifications (1 of 4 stars). 3 submissions from 3 submitters: Uncertain significance (2); Likely benign (1). Last evaluated 2025-11-22.

Conditions:
PROC-related disorder. Also called: PROC-related condition.
Thrombophilia due to protein C deficiency, autosomal dominant. Also called: PROC DEFICIENCY, AUTOSOMAL DOMINANT; PROTEIN C DEFICIENCY, AUTOSOMAL DOMINANT. Identifiers: Orphanet 745, MedGen C2674321, MONDO:0008316, OMIM 176860. Disease mechanism: loss of function.

Allele frequency attached by ClinVar (database versions not stated): gnomAD exomes 0.00009 and 0.00025; ExAC 0.00038; 1000 Genomes Project 0.00060; 1000 Genomes Project 30x 0.00078; gnomAD 0.00085 and 0.00095; TOPMed 0.00104; ESP Exome Variant Server 0.00115.
gnomAD v4.1: 269 of 1,613,988 alleles (0.017%); highest among the groups gnomAD compares: African/African-American, 0.32%; no homozygotes.

Submissions (3):

Labcorp Genetics (formerly Invitae), Labcorp
Classification: Likely benign for Thrombophilia due to protein C deficiency, autosomal dominant. Last evaluated: 2025-11-22. Review status: criteria provided, single submitter. Criteria: Invitae Variant Classification Sherloc (09022015). Collection method: clinical testing. Allele origin: germline.

Mayo Clinic Laboratories, Mayo Clinic
Classification: Uncertain significance. Last evaluated: 2024-08-09. Review status: criteria provided, single submitter. Criteria: ACMG Guidelines, 2015. Collection method: clinical testing. Allele origin: germline. Observed: 1 variant allele.
Comment: BS1, BP4, PM1_supporting, PM5, PS3_moderate

PreventionGenetics, part of Exact Sciences
Classification: Uncertain significance for PROC-related condition. Last evaluated: 2023-06-16. Review status: criteria provided, single submitter. Criteria: ACMG Guidelines, 2015. Collection method: clinical testing. Allele origin: germline.
Comment: The PROC c.1111A>G variant is predicted to result in the amino acid substitution p.Asn371Asp. This variant was reported in the heterozygous state in an individual with mild protein C deficiency (Alhenc-Gelas et al. 2020. PubMed ID: 32717757). This variant is reported in 0.35% of alleles in individuals of African descent in gnomAD. At this time, the clinical significance of this variant is uncertain due to the absence of conclusive functional and genetic evidence.

Literature cited by the submitters: PubMed 31680443 (cited by Mayo Clinic Laboratories, Mayo Clinic); PubMed 32717757 (cited by Mayo Clinic Laboratories, Mayo Clinic); PubMed 33537542 (cited by Mayo Clinic Laboratories, Mayo Clinic).

NM_000312.4(PROC):c.1111A>G (p.Asn371Asp)

Gene: PROC (protein C, inactivator of coagulation factors Va and VIIIa; plus strand). Cytogenetic location: 2q14.3.
Variant type: single nucleotide variant.
Coding change: c.1111A>G on transcript NM_000312.4 (MANE Select); coding-DNA position 1111, A replaced by G.
Protein change: p.Asn371Asp; replaces asparagine 371 with aspartic acid.
Molecular consequence: missense variant.
Genome position (GRCh38, 1-based): chr2:127,428,671, A>G. VCF-style: chr2-127428671-A-G. GRCh37 (hg19) VCF-style: chr2-128186247-A-G.
Other names: p.Asn371Asp; c.1294A>G, p.Asn432Asp (NM_001375602.1); c.1276A>G, p.Asn426Asp (NM_001375603.1); c.1174A>G, p.Asn392Asp (NM_001375604.1); c.1213A>G, p.Asn405Asp (NM_001375605.1); c.1279A>G, p.Asn427Asp (NM_001375606.1); c.1297A>G, p.Asn433Asp (NM_001375607.1); c.1054A>G, p.Asn352Asp (NM_001375608.1); and 3 more; short protein forms N352D, N369D, N433D, N371D, N405D, N426D, N432D, N363D.
Identifiers: ClinVar variation 698077 (VCV000698077.12), dbSNP rs145800354, ClinGen allele CA1859527.